The following is an entry in ClinVar:

NM_004397.6(DDX6):c.1082dup (p.Cys361fs)

Gene: DDX6 (DEAD-box helicase 6; minus strand). Cytogenetic location: 11q23.3.
Variant type: Duplication.
Coding change: c.1082dup on transcript NM_004397.6 (MANE Select); coding-DNA position 1082, one base duplicated (G; older notation c.1082dupG).
Protein change: p.Cys361fs; shifts the reading frame from cysteine 361.
Molecular consequence: frameshift variant.
Genome position (GRCh38, 1-based): chr11:118,757,199, C duplicated on the plus strand (G on the coding strand, the reverse complement: DDX6 is on the minus strand). VCF-style (leftmost placement, unchanged base first): chr11-118757198-G-GC. GRCh37 (hg19) VCF-style: chr11-118627907-G-GC.
Other names: c.1082dup, p.Cys361fs (NM_001257191.3, NM_001425145.1, NM_001425146.1); c.1079dup, p.Cys360fs (NM_001425147.1, NM_001425148.1); c.953dup, p.Cys318fs (NM_001425149.1, NM_001425150.1); c.935dup, p.Cys312fs (NM_001425151.1, NM_001425152.1); c.806dup, p.Cys269fs (NM_001425153.1); c.758dup, p.Cys253fs (NM_001425154.1); short protein forms C253fs, C269fs, C312fs, C318fs, C360fs, C361fs.
Identifiers: ClinVar variation 4850093 (VCV004850093.1).
Genomic context (GRCh38, chr11:118,757,198, plus strand): 5'-TTAAATTTGTGCAAGTTCTAGTTTTATACTCACCTGCCTCATTTTAGCATGAATATAGAA[G>GC]CAAGAATAACCCAGTTGAGAAATCTTCTTGGCTAGCAATTCAACTCGCTGAGAGGAGTTA-3'

ClinVar aggregate classification (germline): Likely pathogenic (1 of 4 stars; one submission).

Conditions:
Intellectual developmental disorder with impaired language and dysmorphic facies. Identifiers: MedGen C5231444, MONDO:0032851, OMIM 618653.

Submission:

Institute for Clinical Genetics, University Hospital TU Dresden, University Hospital TU Dresden
Classification: Likely pathogenic for Intellectual developmental disorder with impaired language and dysmorphic facies. Last evaluated: 2025-01-10. Review status: criteria provided, single submitter. Criteria: ACMG Guidelines, 2015. Collection method: clinical testing. Allele origin: de novo.
Comment: The frame shift variant in the DDX6 gene (NM_004397.6:c.1082dup, p.(Cys361Trpfs*7)) leads to a reading frame shift in exon 10 of 14 due to the gain of one base pair and to the termination of translation of the corresponding protein by a premature stop codon. Bioinformatic prediction algorithms for assessing the effect on protein expression estimate the effect of the variant to be very strong (AutoPVS1, PMID: 32442321). Haploinsufficiency as a disease mechanism is suspected, but has not yet been established (PMID: 31422817). At the protein level, the affected allele is most likely to produce no protein at all, as the mRNA is most probably degraded prematurely by nonsense mediated mRNA decay (NMD). However, the actual effect of the variant on protein expression has not yet been functionally investigated. This variant has not yet been listed in the ClinVar database. This variant has not yet been found in the population database gnomAD v4.1.0 . According to current ACMG recommendations for variant evaluation (PMID 25741868), the criteria PVS1_STR and PM2_SUP are fulfilled, resulting in an evaluation as a variant of unclear significance (ACMG class 3).